The following is an entry in ClinVar:

NM_003998.4(NFKB1):c.2659G>T (p.Glu887Ter)

Gene: NFKB1 (nuclear factor kappa B subunit 1; plus strand). Cytogenetic location: 4q24.
Variant type: single nucleotide variant.
Coding change: c.2659G>T on transcript NM_003998.4 (MANE Select); coding-DNA position 2659, G replaced by T.
Protein change: p.Glu887Ter; replaces glutamic acid 887 with a stop codon.
Molecular consequence: nonsense.
Genome position (GRCh38, 1-based): chr4:102,613,491, G>T. VCF-style: chr4-102613491-G-T. GRCh37 (hg19) VCF-style: chr4-103534648-G-T.
Other names: c.2656G>T, p.Glu886Ter (NM_001165412.2, NM_001319226.2, NM_001382627.1); c.2659G>T, p.Glu887Ter (NM_001382625.1, NM_001382626.1); c.2617G>T, p.Glu873Ter (NM_001382628.1); short protein forms E887*, E886*, E873*.
Identifiers: ClinVar variation 2847139 (VCV002847139.3), dbSNP rs2476607527, ClinGen allele CA357755089.

ClinVar aggregate classification (germline): Pathogenic (1 of 4 stars; one submission).

Submission:

Labcorp Genetics (formerly Invitae), Labcorp
Classification: Pathogenic. Last evaluated: 2023-08-14. Review status: criteria provided, single submitter. Criteria: Invitae Variant Classification Sherloc (09022015). Collection method: clinical testing. Allele origin: germline.
Comment: For these reasons, this variant has been classified as Pathogenic. This variant has not been reported in the literature in individuals affected with NFKB1-related conditions. This variant is not present in population databases (gnomAD no frequency). This sequence change creates a premature translational stop signal (p.Glu887*) in the NFKB1 gene. It is expected to result in an absent or disrupted protein product. Loss-of-function variants in NFKB1 are known to be pathogenic (PMID: 26279205, 29477724).

Literature cited by the submitters: PubMed 26279205; PubMed 29477724.